The following is an entry in ClinVar:

ClinVar aggregate classification (germline): Uncertain significance (1 of 4 stars; one submission).

gnomAD v4.1: 1 of 1,614,108 alleles (0.000062%); highest among the groups gnomAD compares: Admixed American, 0.0017%; no homozygotes.

Submission:

Ambry Genetics
Classification: Uncertain significance. Last evaluated: 2026-06-12. Review status: criteria provided, single submitter. Criteria: Ambry Variant Classification Scheme 2023. Collection method: clinical testing. Allele origin: germline.
Comment: The p.S358I variant (also known as c.1073G>T), located in coding exon 1 of the TET2 gene, results from a G to T substitution at nucleotide position 1073. The serine at codon 358 is replaced by isoleucine, an amino acid with dissimilar properties. This amino acid position is conserved. In addition, this alteration is predicted to be tolerated by in silico analysis. Based on the available evidence, the clinical significance of this variant remains unclear.

NM_001127208.3(TET2):c.1073G>T (p.Ser358Ile)

Genes: TET2 (tet methylcytosine dioxygenase 2; plus strand), TET2-AS1 (TET2 antisense RNA 1; minus strand). Cytogenetic location: 4q24.
Variant type: single nucleotide variant.
Coding change: c.1073G>T on transcript NM_001127208.3 (MANE Select); coding-DNA position 1073, G replaced by T.
Protein change: p.Ser358Ile; replaces serine 358 with isoleucine.
Molecular consequence: missense variant.
Genome position (GRCh38, 1-based): chr4:105,235,015, G>T. VCF-style: chr4-105235015-G-T. GRCh37 (hg19) VCF-style: chr4-106156172-G-T.
Other names: c.1073G>T, p.Ser358Ile (NM_017628.4); short protein forms S358I.
Identifiers: ClinVar variation 4865618 (VCV004865618.1).